The following is an entry in ClinVar:

ClinVar aggregate classification (germline): Uncertain significance. Review status: criteria provided, multiple submitters, no conflicts (2 of 4 stars). 2 submissions from 2 submitters: Uncertain significance (2). Last evaluated 2026-07-13.

gnomAD v4.1: 1 of 1,614,114 alleles (0.000062%); highest among the groups gnomAD compares: East Asian, 0.0022%; no homozygotes.

Submissions (2):

Ambry Genetics
Classification: Uncertain significance. Last evaluated: 2026-07-13. Review status: criteria provided, single submitter. Criteria: Ambry Variant Classification Scheme 2023. Collection method: clinical testing. Allele origin: germline.

Labcorp Genetics (formerly Invitae), Labcorp
Classification: Uncertain significance. Last evaluated: 2021-08-23. Review status: criteria provided, single submitter. Criteria: Invitae Variant Classification Sherloc (09022015). Collection method: clinical testing. Allele origin: germline.
Comment: This sequence change replaces asparagine with serine at codon 806 of the DHX38 protein (p.Asn806Ser). The asparagine residue is highly conserved and there is a small physicochemical difference between asparagine and serine. This variant is not present in population databases (ExAC no frequency). This variant has not been reported in the literature in individuals affected with DHX38-related conditions. Algorithms developed to predict the effect of missense changes on protein structure and function (SIFT, PolyPhen-2, Align-GVGD) all suggest that this variant is likely to be disruptive. Algorithms developed to predict the effect of sequence changes on RNA splicing suggest that this variant may create or strengthen a splice site. In summary, the available evidence is currently insufficient to determine the role of this variant in disease. Therefore, it has been classified as a Variant of Uncertain Significance.

NM_014003.4(DHX38):c.2417A>G (p.Asn806Ser)

Gene: DHX38 (DEAH-box helicase 38; plus strand). Cytogenetic location: 16q22.2.
Variant type: single nucleotide variant.
Coding change: c.2417A>G on transcript NM_014003.4 (MANE Select); coding-DNA position 2417, A replaced by G.
Protein change: p.Asn806Ser; replaces asparagine 806 with serine.
Molecular consequence: missense variant.
Genome position (GRCh38, 1-based): chr16:72,105,554, A>G. VCF-style: chr16-72105554-A-G. GRCh37 (hg19) VCF-style: chr16-72139453-A-G.
Other names: c.2417A>G (NM_014003.3); short protein forms N806S.
Identifiers: ClinVar variation 1413090 (VCV001413090.7), dbSNP rs1597445967, ClinGen allele CA396712580.